The following is an entry in ClinVar:

NM_178012.5(TUBB2B):c.1106G>T (p.Gly369Val)

Gene: TUBB2B (tubulin beta 2B class IIb; minus strand). Cytogenetic location: 6p25.2.
Variant type: single nucleotide variant.
Coding change: c.1106G>T on transcript NM_178012.5 (MANE Select); coding-DNA position 1106, G replaced by T.
Protein change: p.Gly369Val; replaces glycine 369 with valine.
Molecular consequence: missense variant.
Genome position (GRCh38, 1-based): chr6:3,224,983, C>A on the plus strand (G>T on the coding strand, the complement: TUBB2B is on the minus strand). VCF-style: chr6-3224983-C-A. GRCh37 (hg19) VCF-style: chr6-3225217-C-A.
Other names: c.1106G>T (NM_178012.4); short protein forms G369V.
Identifiers: ClinVar variation 3777181 (VCV003777181.1).

ClinVar aggregate classification (germline): Pathogenic (1 of 4 stars; one submission).

Conditions:
Complex cortical dysplasia with other brain malformations 7. Identifiers: Orphanet 300573, MedGen C3552236, MONDO:0012399, OMIM 610031.

Submission:

University of Washington Department of Laboratory Medicine, University of Washington
Classification: Pathogenic for Complex cortical dysplasia with other brain malformations 7. Last evaluated: 2022-08-17. Review status: criteria provided, single submitter. Criteria: ACMG Guidelines, 2015. Collection method: clinical testing. Allele origin: de novo. Affected: yes.
Comment: This variant was absent from large population databases, including the Genome Aggregation Database. In silico tools predict that the p.Gly369Val variant is deleterious; however, these predictions have not been tested directly. Additionally, the TUBB2B gene has fewer missense variants in the general population than expected. A low rate of missense variation may suggest that this gene is intolerant to missense variation. Using ACMG guidelines, this variant was classified as pathogenic for autosomal dominant TUBB2B-related tubulinopathy (ACMG evidence codes used: PS2_very strong, PM2_supporting, PP2, PP3).